The following is an entry in ClinVar:

NM_001165963.4(SCN1A):c.353G>A (p.Arg118Lys)

Gene: SCN1A (sodium voltage-gated channel alpha subunit 1; minus strand). Cytogenetic location: 2q24.3.
Variant type: single nucleotide variant.
Coding change: c.353G>A on transcript NM_001165963.4 (MANE Select); coding-DNA position 353, G replaced by A.
Protein change: p.Arg118Lys; replaces arginine 118 with lysine.
Molecular consequence: missense variant. On other transcripts: 5 prime UTR variant (1), non-coding transcript variant (1).
Genome position (GRCh38, 1-based): chr2:166,058,600, C>T on the plus strand (G>A on the coding strand, the complement: SCN1A is on the minus strand). VCF-style: chr2-166058600-C-T. GRCh37 (hg19) VCF-style: chr2-166915110-C-T.
Other names: c.353G>A, p.Arg118Lys (NM_001165964.3, NM_001202435.3, NM_001353948.2 and 10 more transcripts); c.-2073G>A (NM_001353961.2); short protein forms R118K.
Identifiers: ClinVar variation 2743911 (VCV002743911.4), dbSNP rs2468271994, ClinGen allele CA349076913.

ClinVar aggregate classification (germline): Conflicting classifications of pathogenicity. Review status: criteria provided, conflicting classifications (1 of 4 stars). 2 submissions from 2 submitters: Pathogenic (1); Uncertain significance (1). Last evaluated 2026-03-17.

Conditions:
Early-infantile DEE. Also called: Early infantile epileptic encephalopathy with suppression bursts; Early infantile epileptic encephalopathy; Ohtahara syndrome. Identifiers: Orphanet 1934, MedGen C0393706, MONDO:0800491.
Epilepsy. Also called: Seizure disorder. Identifiers: MedGen C0014544, MeSH D004827, MONDO:0005027.

Submissions (2):

Cytogénomique, Hospices Civils de Lyon
Classification: Pathogenic for Epilepsy. Last evaluated: 2026-03-17. Review status: criteria provided, single submitter. Criteria: ACMG Guidelines, 2015. Collection method: clinical testing. Allele origin: de novo. Affected: yes.

Labcorp Genetics (formerly Invitae), Labcorp
Classification: Uncertain significance for Early-infantile DEE. Last evaluated: 2023-07-16. Review status: criteria provided, single submitter. Criteria: Invitae Variant Classification Sherloc (09022015). Collection method: clinical testing. Allele origin: germline.
Comment: In summary, the available evidence is currently insufficient to determine the role of this variant in disease. Therefore, it has been classified as a Variant of Uncertain Significance. Advanced modeling of protein sequence and biophysical properties (such as structural, functional, and spatial information, amino acid conservation, physicochemical variation, residue mobility, and thermodynamic stability) performed at Invitae indicates that this missense variant is expected to disrupt SCN1A protein function. This variant has not been reported in the literature in individuals affected with SCN1A-related conditions. This variant is not present in population databases (gnomAD no frequency). This sequence change replaces arginine, which is basic and polar, with lysine, which is basic and polar, at codon 118 of the SCN1A protein (p.Arg118Lys).